The following is an entry in ClinVar:

ClinVar aggregate classification (germline): Likely pathogenic (1 of 4 stars; one submission).

Submission:

Quest Diagnostics Nichols Institute San Juan Capistrano
Classification: Likely pathogenic. Last evaluated: 2022-11-17. Review status: criteria provided, single submitter. Criteria: ACMG/ClinGen CNV Guidelines, 2019. Collection method: clinical testing. Allele origin: unknown.
Comment: The copy number loss of 17q25.3 involves multiple protein-coding genes. Deletions partially overlapping the current interval have been reported in individuals with congenital heart defects (Probst 2015). There has been a heterozygous intragenic deletion of P4HB (Ouyang 2017) and a heterozygous frameshift variant of P4HB (Liu 2021) reported in two separate individuals diagnosed with Cole-Carpenter syndrome 1 (CLCRP1; OMIM 112240). There are no similar copy number losses spanning this region in the general populations of the Database of Genomic Variants. Based upon gene content and current medical literature, this copy number variant (CNV) is classified as likely pathogenic. References: Liu et al., Front Genet. 2021 Sep 1;12:677699. PMID: 34539730 Ouyang et al., Medicine (Baltimore). 2017 Dec;96(52):e9504. PMID: 29384951 Probst et al., Orphanet J Rare Dis. 2015 Jun 14;10:75. PMID: 26070612

GRCh37/hg19 17q25.3(chr17:79128754-80092824)x1

Genes: AATK (apoptosis associated tyrosine kinase; minus strand), ACTG1 (actin gamma 1; minus strand), ALYREF (Aly/REF export factor; minus strand), ANAPC11 (anaphase promoting complex subunit 11; plus strand), ARHGDIA (Rho GDP dissociation inhibitor alpha; minus strand) and 38 more. Cytogenetic location: 17q25.3.
Variant type: copy number loss.
Change: copy number 1 (one copy instead of two) of chr17:79,128,754-80,092,824 (964.1 kb, GRCh37 coordinates, 1-based), cytogenetic band 17q25.3.
Identifiers: ClinVar variation 2685609 (VCV002685609.1).